The following is an entry in ClinVar:

ClinVar aggregate classification (germline): Benign. Review status: criteria provided, multiple submitters, no conflicts (2 of 4 stars). 3 submissions from 3 submitters: Benign (2). 1 of the submissions does not count toward it. Last evaluated 2018-06-21.

Conditions:
DLGAP1-related disorder. Also called: DLGAP1-related condition.

Allele frequency attached by ClinVar (database versions not stated): ESP Exome Variant Server 0.00354; 1000 Genomes Project 0.00359; gnomAD 0.00370; 1000 Genomes Project 30x 0.00437; TOPMed 0.00448.
gnomAD v4.1: 1,207 of 1,612,882 alleles (0.075%); highest among the groups gnomAD compares: African/African-American, 1.3%; 8 homozygotes.

Submissions (3):

Labcorp Genetics (formerly Invitae), Labcorp
Classification: Benign. Last evaluated: 2018-06-21. Review status: criteria provided, single submitter. Criteria: Invitae Variant Classification Sherloc (09022015). Collection method: clinical testing. Allele origin: germline.

Breakthrough Genomics
Classification: Benign. Review status: criteria provided, single submitter. Criteria: ACMG Guidelines, 2015. Collection method: not provided. Allele origin: germline. Inheritance: Unknown mechanism. Affected: yes.

PreventionGenetics, part of Exact Sciences
Classification: Benign for DLGAP1-related condition. Last evaluated: 2019-02-19. Review status: no assertion criteria provided. Collection method: clinical testing. Allele origin: germline. Not counted in ClinVar's aggregate classification.
Comment: This variant is classified as benign based on ACMG/AMP sequence variant interpretation guidelines (Richards et al. 2015 PMID: 25741868, with internal and published modifications).

NM_004746.4(DLGAP1):c.2472C>T (p.Pro824=)

Gene: DLGAP1 (DLG associated protein 1; minus strand). Cytogenetic location: 18p11.31.
Variant type: single nucleotide variant.
Coding change: c.2472C>T on transcript NM_004746.4 (MANE Select); coding-DNA position 2472, C replaced by T.
Protein change: p.Pro824=; no amino-acid change (proline 824 retained).
Molecular consequence: synonymous variant.
Genome position (GRCh38, 1-based): chr18:3,534,201, G>A on the plus strand (C>T on the coding strand, the complement: DLGAP1 is on the minus strand). VCF-style: chr18-3534201-G-A. GRCh37 (hg19) VCF-style: chr18-3534199-G-A.
Other names: c.1566C>T, p.Pro522= (NM_001003809.3, NM_001242765.2); c.2472C>T, p.Pro824= (NM_001242761.2); c.1524C>T, p.Pro508= (NM_001242762.2); c.1638C>T, p.Pro546= (NM_001242763.2); c.1590C>T, p.Pro530= (NM_001242764.2); c.1596C>T, p.Pro532= (NM_001242766.2); c.1620C>T, p.Pro540= (NM_001308390.2).
Identifiers: ClinVar variation 788613 (VCV000788613.6), dbSNP rs73939849, ClinGen allele CA8876137.